The following is an entry in ClinVar:

NM_000051.4(ATM):c.8397del (p.Gln2800fs)

Genes: ATM (ATM serine/threonine kinase; plus strand), C11orf65 (chromosome 11 open reading frame 65; minus strand). Cytogenetic location: 11q22.3.
Variant type: Deletion.
Coding change: c.8397del on transcript NM_000051.4 (MANE Select); coding-DNA position 8397, one base deleted (T; older notation c.8397delT).
Protein change: p.Gln2800fs; shifts the reading frame from glutamine 2800.
Molecular consequence: frameshift variant. On other transcripts: intron variant (2).
Genome position (GRCh38, 1-based): chr11:108,343,350, T deleted; the last of 3 consecutive T bases (chr11:108,343,348-108,343,350); deleting any one gives the same sequence. VCF-style (leftmost placement, unchanged base first): chr11-108343347-CT-C. GRCh37 (hg19) VCF-style: chr11-108214074-CT-C.
Other names: c.8397del, p.Gln2800fs (NM_001351834.2); c.641-34277del (NM_001330368.2); c.695-8056del (NM_001351110.2); short protein forms Q2800fs.
Identifiers: ClinVar variation 141556 (VCV000141556.23), dbSNP rs587781837, ClinGen allele CA165770.

ClinVar aggregate classification (germline): Pathogenic/Likely pathogenic. Review status: criteria provided, multiple submitters, no conflicts (2 of 4 stars). 7 submissions from 7 submitters: Pathogenic (6); Likely pathogenic (1). Last evaluated 2025-05-15.

Conditions:
ATM-related disorder. Also called: ATM-related disorders; ATM-related condition.
Hereditary cancer-predisposing syndrome. Also called: Neoplastic Syndromes, Hereditary; Hereditary Cancer Syndrome; Tumor predisposition; Hereditary neoplastic syndrome. Identifiers: Orphanet 140162, MedGen C0027672, MeSH D009386, MONDO:0015356.
Ataxia-telangiectasia syndrome (AT). Also called: Ataxia-telangiectasia, complementation group D; AT, COMPLEMENTATION GROUP C; Ataxia-telangiectasia; ATAXIA-TELANGIECTASIA, COMPLEMENTATION GROUP A; ATAXIA-TELANGIECTASIA, FRESNO VARIANT; Ataxia-telangiectasia, complementation group E. Identifiers: Orphanet 100, MedGen C0004135, MONDO:0008840, OMIM 208900.
Familial cancer of breast. Also called: BREAST CANCER, FAMILIAL; hereditary breast carcinoma; Hereditary breast cancer. Identifiers: Orphanet 227535, MedGen C0346153, MONDO:0016419, OMIM 114480. Disease mechanism: loss of function.
Breast cancer, susceptibility to. Identifiers: MedGen C3469522. Disease mechanism: gain of function.

Submissions (7):

Ambry Genetics
Classification: Pathogenic for Hereditary cancer-predisposing syndrome. Last evaluated: 2025-05-15. Review status: criteria provided, single submitter. Criteria: Ambry Variant Classification Scheme 2023. Collection method: clinical testing. Allele origin: germline.
Comment: The c.8397delT pathogenic mutation, located in coding exon 56 of the ATM gene, results from a deletion of one nucleotide at nucleotide position 8397, causing a translational frameshift with a predicted alternate stop codon (p.Q2800Sfs*6). This alteration has been identified in 1/295 women at high risk for breast cancer who were prospectively enrolled for breast MRI surveillance (Guindalini RSC et al. Clin Cancer Res, 2019 03;25:1786-1794). This variant is considered to be rare based on population cohorts in the Genome Aggregation Database (gnomAD). In addition to the clinical data presented in the literature, this alteration is expected to result in loss of function by premature protein truncation or nonsense-mediated mRNA decay. As such, this alteration is interpreted as a disease-causing mutation.

Labcorp Genetics (formerly Invitae), Labcorp
Classification: Pathogenic for Ataxia-telangiectasia syndrome. Last evaluated: 2024-05-28. Review status: criteria provided, single submitter. Criteria: Invitae Variant Classification Sherloc (09022015). Collection method: clinical testing. Allele origin: germline.
Comment: This sequence change creates a premature translational stop signal (p.Gln2800Serfs*6) in the ATM gene. It is expected to result in an absent or disrupted protein product. Loss-of-function variants in ATM are known to be pathogenic (PMID: 23807571, 25614872). This variant is present in population databases (rs587781837, gnomAD 0.003%). This variant has not been reported in the literature in individuals affected with ATM-related conditions. ClinVar contains an entry for this variant (Variation ID: 141556). For these reasons, this variant has been classified as Pathogenic.

Myriad Genetics, Inc.
Classification: Pathogenic for Familial cancer of breast. Last evaluated: 2024-02-02. Review status: criteria provided, single submitter. Criteria: Myriad Autosomal Dominant, Autosomal Recessive and X-Linked Classification Criteria (2023). Collection method: clinical testing. Allele origin: unknown.
Comment: This variant is considered pathogenic. This variant creates a frameshift predicted to result in premature protein truncation.

GeneDx
Classification: Pathogenic. Last evaluated: 2022-09-21. Review status: criteria provided, single submitter. Criteria: GeneDx Variant Classification Process June 2021. Collection method: clinical testing. Allele origin: germline. Affected: yes.
Comment: Frameshift variant predicted to result in protein truncation or nonsense mediated decay in a gene for which loss of function is a known mechanism of disease; Not observed at significant frequency in large population cohorts (gnomAD); Truncating variants in this gene are considered pathogenic by a well-established clinical consortium and/or database; This variant is associated with the following publications: (PMID: 28152038, 29922827, 30154229)

Baylor Genetics
Classification: Pathogenic for Familial cancer of breast. Last evaluated: 2021-12-28. Review status: criteria provided, single submitter. Criteria: ACMG Guidelines, 2015. Collection method: clinical testing. Allele origin: unknown.

Blueprint Genetics
Classification: Likely pathogenic for ATM-related disorders. Last evaluated: 2018-03-23. Review status: criteria provided, single submitter. Criteria: ACMG Guidelines, 2015. Collection method: clinical testing. Allele origin: germline. Affected: yes. Observed: 1 variant allele.

Genetic Services Laboratory, University of Chicago
Classification: Pathogenic for {Breast cancer, susceptibility to}. Last evaluated: 2017-02-10. Review status: criteria provided, single submitter. Criteria: ACMG Guidelines, 2015. Collection method: clinical testing. Allele origin: germline. Affected: yes.

Literature cited by the submitters: PubMed 30154229 (cited by Ambry Genetics); PubMed 23807571 (cited by Labcorp Genetics (formerly Invitae), Labcorp); PubMed 25614872 (cited by Labcorp Genetics (formerly Invitae), Labcorp).